The following is an entry in ClinVar:

NM_000501.4(ELN):c.1747+98G>A

Genes: ELN (elastin; plus strand), ELN-AS1 (ELN antisense RNA 1; minus strand). Cytogenetic location: 7q11.23.
Variant type: single nucleotide variant.
Coding change: c.1747+98G>A on transcript NM_000501.4 (MANE Select); 98 bases into the intron after coding-DNA position 1747, G replaced by A.
Molecular consequence: intron variant. On other transcripts: synonymous variant (1).
Genome position (GRCh38, 1-based): chr7:74,060,599, G>A. VCF-style: chr7-74060599-G-A. GRCh37 (hg19) VCF-style: chr7-73474929-G-A.
Other names: c.1932G>A, p.Arg644= (NM_001278939.2); c.1762+98G>A (NM_001081754.3); c.1705+98G>A (NM_001081753.3); c.1765+98G>A (NM_001278915.2); c.1747+98G>A (NM_001278912.2); c.1690+98G>A (NM_001081755.3); c.1603+98G>A (NM_001278916.2); c.1504+98G>A (NM_001278913.2); and 4 more.
Identifiers: ClinVar variation 1465078 (VCV001465078.6), dbSNP rs2132332281, ClinGen allele CA2573142299.

ClinVar aggregate classification (germline): Uncertain significance (1 of 4 stars; one submission).

Conditions:
Supravalvar aortic stenosis (SVAS). Also called: Supravalvar aortic stenosis, Eisenberg type. Identifiers: Orphanet 3193, MedGen C0003499, MONDO:0008504, OMIM 185500, HP:0004381.

Submission:

Labcorp Genetics (formerly Invitae), Labcorp
Classification: Uncertain significance for Supravalvar aortic stenosis. Last evaluated: 2025-06-23. Review status: criteria provided, single submitter. Criteria: Invitae Variant Classification Sherloc (09022015). Collection method: clinical testing. Allele origin: germline.
Comment: This sequence change affects codon 644 of the ELN mRNA. It is a 'silent' change, meaning that it does not change the encoded amino acid sequence of the ELN protein. It affects a nucleotide within the consensus splice site. This variant is not present in population databases (gnomAD no frequency). This variant has not been reported in the literature in individuals affected with ELN-related conditions. ClinVar contains an entry for this variant (Variation ID: 1465078). Algorithms developed to predict the effect of sequence changes on RNA splicing suggest that this variant is not likely to affect RNA splicing. In summary, the available evidence is currently insufficient to determine the role of this variant in disease. Therefore, it has been classified as a Variant of Uncertain Significance.